The following is an entry in ClinVar:

NM_000444.6(PHEX):c.593A>T (p.Tyr198Phe)

Gene: PHEX (phosphate regulating endopeptidase X-linked; plus strand). Cytogenetic location: Xp22.11.
Variant type: single nucleotide variant.
Coding change: c.593A>T on transcript NM_000444.6 (MANE Select); coding-DNA position 593, A replaced by T.
Protein change: p.Tyr198Phe; replaces tyrosine 198 with phenylalanine.
Molecular consequence: missense variant.
Genome position (GRCh38, 1-based): chrX:22,077,632, A>T. VCF-style: chrX-22077632-A-T. GRCh37 (hg19) VCF-style: chrX-22095750-A-T.
Other names: c.593A>T, p.Tyr198Phe (NM_001282754.2); short protein forms Y198F.
Identifiers: ClinVar variation 1969781 (VCV001969781.5), dbSNP rs2519754409, ClinGen allele CA412571559.
Genomic context (GRCh38, chrX:22,077,632, plus strand): 5'-GGGTTTGGTCAGAGAGAAAGTTCAGCCTTCTGCAGACACTTGCAACGTTTCGTGGTCAAT[A>T]CAGCAATTCTGTGTTCATCCGTTTGTATGTGTCCCCTGATGACAAAGCATCCAATGAACA-3'
Protein context (NP_000435.3, residues 188-208): LQTLATFRGQ[Tyr198Phe]SNSVFIRLYV

ClinVar aggregate classification (germline): Uncertain significance (1 of 4 stars; one submission).

gnomAD v4.1: 1 of 1,211,047 alleles (0.000083%); no homozygotes.

Submission:

Labcorp Genetics (formerly Invitae), Labcorp
Classification: Uncertain significance. Last evaluated: 2022-02-28. Review status: criteria provided, single submitter. Criteria: Invitae Variant Classification Sherloc (09022015). Collection method: clinical testing. Allele origin: germline.
Comment: This variant has not been reported in the literature in individuals affected with PHEX-related conditions. This variant is not present in population databases (gnomAD no frequency). This sequence change replaces tyrosine, which is neutral and polar, with phenylalanine, which is neutral and non-polar, at codon 198 of the PHEX protein (p.Tyr198Phe). In summary, the available evidence is currently insufficient to determine the role of this variant in disease. Therefore, it has been classified as a Variant of Uncertain Significance. Advanced modeling of protein sequence and biophysical properties (such as structural, functional, and spatial information, amino acid conservation, physicochemical variation, residue mobility, and thermodynamic stability) performed at Invitae indicates that this missense variant is not expected to disrupt PHEX protein function.